The following is an entry in ClinVar:

NM_025137.4(SPG11):c.7320G>A (p.Met2440Ile)

Gene: SPG11 (SPG11 vesicle trafficking associated, spatacsin; minus strand). Cytogenetic location: 15q21.1.
Variant type: single nucleotide variant.
Coding change: c.7320G>A on transcript NM_025137.4 (MANE Select); coding-DNA position 7320, G replaced by A.
Protein change: p.Met2440Ile; replaces methionine 2440 with isoleucine.
Molecular consequence: missense variant.
Genome position (GRCh38, 1-based): chr15:44,563,133, C>T on the plus strand (G>A on the coding strand, the complement: SPG11 is on the minus strand). VCF-style: chr15-44563133-C-T. GRCh37 (hg19) VCF-style: chr15-44855331-C-T.
Other names: c.6981G>A, p.Met2327Ile (NM_001160227.2); short protein forms M2327I, M2440I.
Identifiers: ClinVar variation 1355204 (VCV001355204.5), dbSNP rs566201722, ClinGen allele CA7533823.

ClinVar aggregate classification (germline): Uncertain significance (1 of 4 stars; one submission).

Conditions:
Hereditary spastic paraplegia 11. Also called: SPASTIC PARAPLEGIA, AUTOSOMAL RECESSIVE, COMPLICATED, WITH THIN CORPUS CALLOSUM; SPASTIC PARAPLEGIA, AUTOSOMAL RECESSIVE, WITH MENTAL IMPAIRMENT AND THIN CORPUS CALLOSUM; Spastic Paraplegia 11; Nakamura Osame syndrome; Autosomal recessive hereditary spastic paraplegia, mental impairment, and thin corpus callosum; Spastic paraplegia, mental retardation and thin corpus callosum. Identifiers: Orphanet 2822, MedGen C1858479, MONDO:0011445, OMIM 604360.

Allele frequency attached by ClinVar (database versions not stated): gnomAD 0.00001 and 0.00002; gnomAD exomes 0.00001 and 0.00002; ExAC 0.00002; 1000 Genomes Project 30x 0.00016; 1000 Genomes Project 0.00020.
gnomAD v4.1: 15 of 1,614,138 alleles (0.00093%); highest among the groups gnomAD compares: South Asian, 0.015%; 1 homozygote.

Submission:

Labcorp Genetics (formerly Invitae), Labcorp
Classification: Uncertain significance for Hereditary spastic paraplegia 11. Last evaluated: 2021-08-27. Review status: criteria provided, single submitter. Criteria: Invitae Variant Classification Sherloc (09022015). Collection method: clinical testing. Allele origin: germline.
Comment: This sequence change replaces methionine with isoleucine at codon 2440 of the SPG11 protein (p.Met2440Ile). The methionine residue is moderately conserved and there is a small physicochemical difference between methionine and isoleucine. This variant is present in population databases (rs566201722, ExAC 0.02%). This variant has not been reported in the literature in individuals affected with SPG11-related conditions. Algorithms developed to predict the effect of missense changes on protein structure and function (SIFT, PolyPhen-2, Align-GVGD) all suggest that this variant is likely to be tolerated. In summary, the available evidence is currently insufficient to determine the role of this variant in disease. Therefore, it has been classified as a Variant of Uncertain Significance.